The following is an entry in ClinVar:

NM_001081.4(CUBN):c.6124+5G>A

Gene: CUBN (cubilin; minus strand). Cytogenetic location: 10p13.
Variant type: single nucleotide variant.
Coding change: c.6124+5G>A on transcript NM_001081.4 (MANE Select); 5 bases into the intron after coding-DNA position 6124, G replaced by A.
Molecular consequence: intron variant.
Genome position (GRCh38, 1-based): chr10:16,933,082, C>T on the plus strand (G>A on the coding strand, the complement: CUBN is on the minus strand). VCF-style: chr10-16933082-C-T. GRCh37 (hg19) VCF-style: chr10-16975081-C-T.
Identifiers: ClinVar variation 5040168 (VCV005040168.1).

ClinVar aggregate classification (germline): Uncertain significance (1 of 4 stars; one submission).

Submission:

CeGaT Center for Human Genetics Tuebingen
Classification: Uncertain significance. Last evaluated: 2026-07-01. Review status: criteria provided, single submitter. Criteria: CeGaT Center For Human Genetics Tuebingen Variant Classification Criteria Version 2. Collection method: clinical testing. Allele origin: germline. Affected: yes. Observed: 1 variant allele.
Comment: CUBN: PM2, PP3